The following is an entry in ClinVar:

NM_001447.3(FAT2):c.2197C>T (p.Pro733Ser)

Gene: FAT2 (FAT atypical cadherin 2; minus strand). Cytogenetic location: 5q33.1.
Variant type: single nucleotide variant.
Coding change: c.2197C>T on transcript NM_001447.3 (MANE Select); coding-DNA position 2197, C replaced by T.
Protein change: p.Pro733Ser; replaces proline 733 with serine.
Molecular consequence: missense variant.
Genome position (GRCh38, 1-based): chr5:151,566,735, G>A on the plus strand (C>T on the coding strand, the complement: FAT2 is on the minus strand). VCF-style: chr5-151566735-G-A. GRCh37 (hg19) VCF-style: chr5-150946296-G-A.
Other names: c.2197C>T (NM_001447.2); short protein forms P733S.
Identifiers: ClinVar variation 2637746 (VCV002637746.3), dbSNP rs1001969191, ClinGen allele CA129985098.

ClinVar aggregate classification (germline): Conflicting classifications of pathogenicity. Review status: criteria provided, conflicting classifications (1 of 4 stars). 2 submissions from 2 submitters: Uncertain significance (1); Likely benign (1). Last evaluated 2025-02-07.

Allele frequency attached by ClinVar (database versions not stated): gnomAD 0.00001.
gnomAD v4.1: 13 of 1,614,062 alleles (0.00081%); highest among the groups gnomAD compares: Non-Finnish European, 0.00085%; no homozygotes.

Submissions (2):

Ambry Genetics
Classification: Likely benign. Last evaluated: 2025-02-07. Review status: criteria provided, single submitter. Criteria: Ambry Variant Classification Scheme 2023. Collection method: clinical testing. Allele origin: germline.

Women's Health and Genetics/Laboratory Corporation of America, LabCorp
Classification: Uncertain significance. Last evaluated: 2024-11-19. Review status: criteria provided, single submitter. Criteria: LabCorp Variant Classification Summary - May 2015. Collection method: clinical testing. Allele origin: germline.
Comment: Variant summary: FAT2 c.2197C>T (p.Pro733Ser) results in a non-conservative amino acid change located in the Cadherin-like domain (IPR002126) of the encoded protein sequence. Three of four in-silico tools predict a benign effect of the variant on protein function. The variant allele was found at a frequency of 4e-06 in 251374 control chromosomes. The available data on variant occurrences in the general population are insufficient to allow any conclusion about variant significance. To our knowledge, no occurrence of c.2197C>T in individuals affected with Spinocerebellar Ataxia 45 and no experimental evidence demonstrating its impact on protein function have been reported. ClinVar contains an entry for this variant (Variation ID: 2637746). Based on the evidence outlined above, the variant was classified as uncertain significance.